The following is an entry in ClinVar:

ClinVar aggregate classification (germline): Benign (0 of 4 stars; one submission).

Conditions:
PHYKPL-related disorder. Also called: PHYKPL-related condition.

Allele frequency attached by ClinVar (database versions not stated): ExAC 0.01815; gnomAD 0.04930; 1000 Genomes Project 0.05491; ESP Exome Variant Server 0.05551; 1000 Genomes Project 30x 0.05918.
gnomAD v4.1: 17,729 of 1,614,098 alleles (1.1%); highest among the groups gnomAD compares: African/African-American, 17%; 1,215 homozygotes.

Submission:

PreventionGenetics, part of Exact Sciences
Classification: Benign for PHYKPL-related condition. Last evaluated: 2019-11-26. Review status: no assertion criteria provided. Collection method: clinical testing. Allele origin: germline.
Comment: This variant is classified as benign based on ACMG/AMP sequence variant interpretation guidelines (Richards et al. 2015 PMID: 25741868, with internal and published modifications).

NM_153373.4(PHYKPL):c.377A>G (p.His126Arg)

Gene: PHYKPL (5-phosphohydroxy-L-lysine phospho-lyase; minus strand). Cytogenetic location: 5q35.3.
Variant type: single nucleotide variant.
Coding change: c.377A>G on transcript NM_153373.4 (MANE Select); coding-DNA position 377, A replaced by G.
Protein change: p.His126Arg; replaces histidine 126 with arginine.
Molecular consequence: missense variant. On other transcripts: non-coding transcript variant (2).
Genome position (GRCh38, 1-based): chr5:178,225,391, T>C on the plus strand (A>G on the coding strand, the complement: PHYKPL is on the minus strand). VCF-style: chr5-178225391-T-C. GRCh37 (hg19) VCF-style: chr5-177652392-T-C.
Other names: c.254A>G, p.His85Arg (NM_001278346.1); short protein forms H126R, H85R.
Identifiers: ClinVar variation 3038220 (VCV003038220.2), dbSNP rs7707147, ClinGen allele CA3590362.